The following is an entry in ClinVar:

ClinVar aggregate classification (germline): Uncertain significance. Review status: criteria provided, multiple submitters, no conflicts (2 of 4 stars). 3 submissions from 3 submitters: Uncertain significance (2). 1 of the submissions does not count toward it. Last evaluated 2026-07-19.

Conditions:
CDH23-related disorder. Also called: CDH23-related disorders; CDH23-related condition.
Usher syndrome type 1 (USH1). Also called: RETINITIS PIGMENTOSA AND CONGENITAL DEAFNESS. Identifiers: Orphanet 231169, Orphanet 886, MedGen C1568247, MONDO:0010168, OMIM 276900.

Allele frequency attached by ClinVar (database versions not stated): ExAC 0.00005; gnomAD exomes 0.00001 and 0.00002.
gnomAD v4.1: 15 of 1,592,508 alleles (0.00094%); highest among the groups gnomAD compares: Middle Eastern, 0.05%; no homozygotes.

Submissions (3):

PreventionGenetics, part of Exact Sciences
Classification: Uncertain significance for CDH23-related condition. Last evaluated: 2026-07-19. Review status: criteria provided, single submitter. Criteria: ACMG Guidelines, 2015. Collection method: clinical testing. Allele origin: germline.
Comment: The CDH23 c.4054G>A variant is predicted to result in the amino acid substitution p.Ala1352Thr. This variant was reported in a large cohort of individuals with hearing loss (supplementary data, Ma et al. 2023. PubMed ID: 36597107). This variant is reported in 0.0042% of alleles in individuals of European (Non-Finnish) descent in gnomAD. At this time, the clinical significance of this variant is uncertain due to the absence of conclusive functional and genetic evidence.

Labcorp Genetics (formerly Invitae), Labcorp
Classification: Uncertain significance. Last evaluated: 2022-06-13. Review status: criteria provided, single submitter. Criteria: Invitae Variant Classification Sherloc (09022015). Collection method: clinical testing. Allele origin: germline.
Comment: This sequence change replaces alanine, which is neutral and non-polar, with threonine, which is neutral and polar, at codon 1352 of the CDH23 protein (p.Ala1352Thr). The frequency data for this variant in the population databases is considered unreliable, as metrics indicate poor data quality at this position in the gnomAD database. This variant has not been reported in the literature in individuals affected with CDH23-related conditions. ClinVar contains an entry for this variant (Variation ID: 834389). Algorithms developed to predict the effect of missense changes on protein structure and function output the following: SIFT: "Tolerated"; PolyPhen-2: "Not Available"; Align-GVGD: "Class C0". The threonine amino acid residue is found in multiple mammalian species, which suggests that this missense change does not adversely affect protein function. In summary, the available evidence is currently insufficient to determine the role of this variant in disease. Therefore, it has been classified as a Variant of Uncertain Significance.

Natera, Inc.
Classification: Uncertain significance for Usher syndrome type 1. Last evaluated: 2021-04-14. Review status: no assertion criteria provided. Collection method: clinical testing. Allele origin: germline. Not counted in ClinVar's aggregate classification.

NM_022124.6(CDH23):c.4054G>A (p.Ala1352Thr)

Genes: C10orf105 (chromosome 10 open reading frame 105; minus strand), CDH23 (cadherin related 23; plus strand). Cytogenetic location: 10q22.1.
Variant type: single nucleotide variant.
Coding change: c.4054G>A on transcript NM_022124.6 (MANE Select); coding-DNA position 4054, G replaced by A.
Protein change: p.Ala1352Thr; replaces alanine 1352 with threonine.
Molecular consequence: missense variant. On other transcripts: intron variant (1).
Genome position (GRCh38, 1-based): chr10:71,732,325, G>A. VCF-style: chr10-71732325-G-A. GRCh37 (hg19) VCF-style: chr10-73492082-G-A.
Other names: c.4054G>A, p.Ala1352Thr (NM_001171930.2); c.-6+5403C>T (NM_001168390.2); short protein forms A1352T.
Identifiers: ClinVar variation 834389 (VCV000834389.7), dbSNP rs773262846, ClinGen allele CA5544899.